The following is an entry in ClinVar:

NM_181882.3(PRX):c.1552_1562delinsT (p.Pro518fs)

Gene: PRX (periaxin; minus strand). Cytogenetic location: 19q13.2.
Variant type: Indel.
Coding change: c.1552_1562delinsT on transcript NM_181882.3 (MANE Select); coding-DNA positions 1552 to 1562, CCAGAGGTACA replaced by T.
Protein change: p.Pro518fs; shifts the reading frame from proline 518.
Molecular consequence: frameshift variant. On other transcripts: 3 prime UTR variant (1).
Genome position (GRCh38, 1-based): chr19:40,396,790-40,396,800, TGTACCTCTGG replaced by A on the plus strand (CCAGAGGTACA replaced by T on the coding strand, the reverse complement: PRX is on the minus strand). VCF-style: chr19-40396790-TGTACCTCTGG-A. GRCh37 (hg19) VCF-style: chr19-40902697-TGTACCTCTGG-A.
Other names: c.1837_1847delinsT, p.Pro613fs (NM_001411127.1); c.*1757_*1767delinsT (NM_020956.2); short protein forms P518fs, P613fs.
Identifiers: ClinVar variation 2787432 (VCV002787432.3), dbSNP rs2514806399, ClinGen allele CA2739276803.

ClinVar aggregate classification (germline): Pathogenic (1 of 4 stars; one submission).

Conditions:
Charcot-Marie-Tooth disease type 4. Also called: Charcot-Marie-Tooth, Type 4; Charcot-Marie-Tooth disease, type IV. Identifiers: Orphanet 64749, MedGen C4082197, MONDO:0018995.

Submission:

Labcorp Genetics (formerly Invitae), Labcorp
Classification: Pathogenic for Charcot-Marie-Tooth disease type 4. Last evaluated: 2022-04-13. Review status: criteria provided, single submitter. Criteria: Invitae Variant Classification Sherloc (09022015). Collection method: clinical testing. Allele origin: germline.
Comment: This variant is not present in population databases (gnomAD no frequency). This sequence change creates a premature translational stop signal (p.Pro518Cysfs*3) in the PRX gene. While this is not anticipated to result in nonsense mediated decay, it is expected to disrupt the last 944 amino acid(s) of the PRX protein. This variant has not been reported in the literature in individuals affected with PRX-related conditions. For these reasons, this variant has been classified as Pathogenic. This variant disrupts a region of the PRX protein in which other variant(s) (p.Gln1168* ) have been determined to be pathogenic (Invitae). This suggests that this is a clinically significant region of the protein, and that variants that disrupt it are likely to be disease-causing.